The following is an entry in ClinVar:

NM_000124.4(ERCC6):c.3757G>T (p.Glu1253Ter)

Gene: ERCC6 (ERCC excision repair 6, chromatin remodeling factor; minus strand). Cytogenetic location: 10q11.23.
Variant type: single nucleotide variant.
Coding change: c.3757G>T on transcript NM_000124.4 (MANE Select); coding-DNA position 3757, G replaced by T.
Protein change: p.Glu1253Ter; replaces glutamic acid 1253 with a stop codon.
Molecular consequence: nonsense.
Genome position (GRCh38, 1-based): chr10:49,470,203, C>A on the plus strand (G>T on the coding strand, the complement: ERCC6 is on the minus strand). VCF-style: chr10-49470203-C-A. GRCh37 (hg19) VCF-style: chr10-50678249-C-A.
Other names: c.3757G>T, p.Glu1253Ter (NM_001346440.2); short protein forms E1253*.
Identifiers: ClinVar variation 984252 (VCV000984252.3), dbSNP rs1850747928, ClinGen allele CA376712404.

ClinVar aggregate classification (germline): Likely pathogenic (1 of 4 stars; one submission).

Conditions:
Cockayne syndrome type 2 (CSB). Also called: Cockayne Syndrome, Type II; COCKAYNE SYNDROME B. Identifiers: Orphanet 191, Orphanet 90322, MedGen C0751038, MONDO:0019570, OMIM 133540.

Submission:

Myriad Genetics, Inc.
Classification: Likely pathogenic for Cockayne syndrome type 2. Last evaluated: 2019-04-23. Review status: criteria provided, single submitter. Criteria: Myriad Women's Health Autosomal Recessive and X-Linked Classification Criteria (2019). Collection method: clinical testing. Allele origin: unknown.
Comment: NM_000124.2(ERCC6):c.3757G>T(E1253*) is expected to be pathogenic in the context of ERCC6-related disorders. This variant is predicted to lead to an abnormal or absent protein product due to the creation of a premature termination codon in ERCC6, a gene where loss-of-function variants are known to be pathogenic. Please note: this variant was assessed in the context of healthy population screening.